The following is an entry in ClinVar:

NM_001077418.3(TMEM231):c.837C>G (p.Ile279Met)

Gene: TMEM231 (transmembrane protein 231; minus strand). Cytogenetic location: 16q23.1.
Variant type: single nucleotide variant.
Coding change: c.837C>G on transcript NM_001077418.3 (MANE Select); coding-DNA position 837, C replaced by G.
Protein change: p.Ile279Met; replaces isoleucine 279 with methionine.
Molecular consequence: missense variant. On other transcripts: non-coding transcript variant (1).
Genome position (GRCh38, 1-based): chr16:75,540,108, G>C on the plus strand (C>G on the coding strand, the complement: TMEM231 is on the minus strand). VCF-style: chr16-75540108-G-C. GRCh37 (hg19) VCF-style: chr16-75574006-G-C.
Other names: c.996C>G, p.Ile332Met (NM_001077416.2); short protein forms I332M, I279M.
Identifiers: ClinVar variation 4790274 (VCV004790274.1).
Genomic context (GRCh38, chr16:75,540,108, plus strand): 5'-GGTGGTCACCACCTGATTCTGAAACACGAAGATCTTGATTCTTTCAAACACCCAGAGGAA[G>C]ATAAGCAGGATGCTGACATACTGCACCCAGGCGAACTTTACCATCTCCCAGAATCCTGGC-3'
Protein context (NP_001070886.1, residues 269-289): AWVQYVSILL[Ile279Met]FLWVFERIKI

ClinVar aggregate classification (germline): Uncertain significance (1 of 4 stars; one submission).

Conditions:
Meckel syndrome, type 11 (MKS11). Identifiers: Orphanet 564, MedGen C3809352, MONDO:0014164, OMIM 615397.
Joubert syndrome 20 (JBTS20). Identifiers: Orphanet 475, MedGen C3554235, MONDO:0013994, OMIM 614970.

Submission:

Labcorp Genetics (formerly Invitae), Labcorp
Classification: Uncertain significance for Joubert syndrome 20; Meckel syndrome, type 11. Last evaluated: 2025-02-16. Review status: criteria provided, single submitter. Criteria: Invitae Variant Classification Sherloc (09022015). Collection method: clinical testing. Allele origin: germline.
Comment: This sequence change replaces isoleucine, which is neutral and non-polar, with methionine, which is neutral and non-polar, at codon 332 of the TMEM231 protein (p.Ile332Met). This variant is present in population databases (no rsID available, gnomAD 0.003%). This variant has not been reported in the literature in individuals affected with TMEM231-related conditions. Experimental studies and prediction algorithms are not available or were not evaluated, and the functional significance of this variant is currently unknown. In summary, the available evidence is currently insufficient to determine the role of this variant in disease. Therefore, it has been classified as a Variant of Uncertain Significance.